The following is an entry in ClinVar:

NM_001370259.2(MEN1):c.410G>A (p.Arg137Gln)

Gene: MEN1 (menin 1; minus strand). Cytogenetic location: 11q13.1.
Variant type: single nucleotide variant.
Coding change: c.410G>A on transcript NM_001370259.2 (MANE Select); coding-DNA position 410, G replaced by A.
Protein change: p.Arg137Gln; replaces arginine 137 with glutamine.
Molecular consequence: missense variant. On other transcripts: non-coding transcript variant (4).
Genome position (GRCh38, 1-based): chr11:64,809,700, C>T on the plus strand (G>A on the coding strand, the complement: MEN1 is on the minus strand). VCF-style: chr11-64809700-C-T. GRCh37 (hg19) VCF-style: chr11-64577172-C-T.
Other names: c.410G>A, p.Arg137Gln (NM_000244.4, NM_001370251.2, NM_001370260.2 and 20 more transcripts); short protein forms R137Q.
Identifiers: ClinVar variation 3394949 (VCV003394949.1).

ClinVar aggregate classification (germline): Uncertain significance (1 of 4 stars; one submission).

Conditions:
Hereditary cancer-predisposing syndrome. Also called: Hereditary Cancer Syndrome; Tumor predisposition; Hereditary neoplastic syndrome; Neoplastic Syndromes, Hereditary. Identifiers: Orphanet 140162, MedGen C0027672, MeSH D009386, MONDO:0015356.

Submission:

Ambry Genetics
Classification: Uncertain significance for Hereditary cancer-predisposing syndrome. Last evaluated: 2024-08-06. Review status: criteria provided, single submitter. Criteria: Ambry Variant Classification Scheme 2023. Collection method: clinical testing. Allele origin: germline.
Comment: The p.R137Q variant (also known as c.410G>A), located in coding exon 1 of the MEN1 gene, results from a G to A substitution at nucleotide position 410. The arginine at codon 137 is replaced by glutamine, an amino acid with highly similar properties. This amino acid position is highly conserved in available vertebrate species. In addition, this alteration is predicted to be deleterious by in silico analysis. Based on the available evidence, the clinical significance of this variant remains unclear.